The following is an entry in ClinVar:

ClinVar aggregate classification (germline): Likely benign (0 of 4 stars; one submission).

Conditions:
COL5A2-related disorder. Also called: COL5A2-related condition.

Submission:

PreventionGenetics, part of Exact Sciences
Classification: Likely benign for COL5A2-related condition. Last evaluated: 2023-02-23. Review status: no assertion criteria provided. Collection method: clinical testing. Allele origin: germline.
Comment: This variant is classified as likely benign based on ACMG/AMP sequence variant interpretation guidelines (Richards et al. 2015 PMID: 25741868, with internal and published modifications).

NM_000393.5(COL5A2):c.-10dup

Gene: COL5A2 (collagen type V alpha 2 chain; minus strand). Cytogenetic location: 2q32.2.
Variant type: Duplication.
Coding change: c.-10dup on transcript NM_000393.5 (MANE Select); 10 bases upstream of the start codon, one base duplicated (A; older notation c.-10dupA).
Molecular consequence: 5 prime UTR variant.
Genome position (GRCh38, 1-based): chr2:189,179,614, T duplicated on the plus strand (A on the coding strand, the reverse complement: COL5A2 is on the minus strand); the first of 2 consecutive T bases (chr2:189,179,614-189,179,615); duplicating either gives the same sequence. VCF-style (leftmost placement, unchanged base first): chr2-189179613-A-AT. GRCh37 (hg19) VCF-style: chr2-190044339-A-AT.
Identifiers: ClinVar variation 3048933 (VCV003048933.2), dbSNP rs2469602066, ClinGen allele CA2740096394.